The following is an entry in ClinVar:

NM_015512.5(DNAH1):c.12021G>C (p.Trp4007Cys)

Gene: DNAH1 (dynein axonemal heavy chain 1; plus strand). Cytogenetic location: 3p21.1.
Variant type: single nucleotide variant.
Coding change: c.12021G>C on transcript NM_015512.5 (MANE Select); coding-DNA position 12021, G replaced by C.
Protein change: p.Trp4007Cys; replaces tryptophan 4007 with cysteine.
Molecular consequence: missense variant.
Genome position (GRCh38, 1-based): chr3:52,398,094, G>C. VCF-style: chr3-52398094-G-C. GRCh37 (hg19) VCF-style: chr3-52432110-G-C.
Other names: short protein forms W4007C.
Identifiers: ClinVar variation 1385472 (VCV001385472.6), dbSNP rs1419113342, ClinGen allele CA353083008.
Genomic context (GRCh38, chr3:52,398,094, plus strand): 5'-AGTGGAGGACGTCACCCAAAACATTCTGCTCAAGGTGCCTGAGCCTATCAACTTGCAATG[G>C]GTGATGGCCAAGTACCCAGTGCTGTATGAGGAATCAATGAACACAGTACTAGTACAAGAG-3'
Protein context (NP_056327.4, residues 3997-4017): LKVPEPINLQ[Trp4007Cys]VMAKYPVLYE

ClinVar aggregate classification (germline): Uncertain significance (1 of 4 stars; one submission).

Conditions:
Spermatogenic failure 18. Identifiers: MedGen C4539783, MONDO:0054615, OMIM 617576.
Ciliary dyskinesia, primary, 37 (CILD37). Also called: CILIARY DYSKINESIA, PRIMARY, 37, WITH OR WITHOUT SITUS INVERSUS. Identifiers: MedGen C4539798, MONDO:0033204, OMIM 617577.

Allele frequency attached by ClinVar (database versions not stated): TOPMed 0.00001.
gnomAD v4.1: 1 of 1,613,894 alleles (0.000062%); highest among the groups gnomAD compares: Non-Finnish European, 0.000085%; no homozygotes.

Submission:

Labcorp Genetics (formerly Invitae), Labcorp
Classification: Uncertain significance for Ciliary dyskinesia, primary, 37; Spermatogenic failure 18. Last evaluated: 2021-10-08. Review status: criteria provided, single submitter. Criteria: Invitae Variant Classification Sherloc (09022015). Collection method: clinical testing. Allele origin: germline.
Comment: In summary, the available evidence is currently insufficient to determine the role of this variant in disease. Therefore, it has been classified as a Variant of Uncertain Significance. Algorithms developed to predict the effect of missense changes on protein structure and function (SIFT, PolyPhen-2, Align-GVGD) all suggest that this variant is likely to be tolerated. This variant has not been reported in the literature in individuals affected with DNAH1-related conditions. This variant is not present in population databases (ExAC no frequency). This sequence change replaces tryptophan with cysteine at codon 4007 of the DNAH1 protein (p.Trp4007Cys). The tryptophan residue is weakly conserved and there is a large physicochemical difference between tryptophan and cysteine.